The following is an entry in ClinVar:

NM_016239.4(MYO15A):c.5117G>T (p.Gly1706Val)

Gene: MYO15A (myosin XVA; plus strand). Cytogenetic location: 17p11.2.
Variant type: single nucleotide variant.
Coding change: c.5117G>T on transcript NM_016239.4 (MANE Select); coding-DNA position 5117, G replaced by T.
Protein change: p.Gly1706Val; replaces glycine 1706 with valine.
Molecular consequence: missense variant.
Genome position (GRCh38, 1-based): chr17:18,138,920, G>T. VCF-style: chr17-18138920-G-T. GRCh37 (hg19) VCF-style: chr17-18042234-G-T.
Other names: short protein forms G1706V.
Identifiers: ClinVar variation 4852820 (VCV004852820.1).
Genomic context (GRCh38, chr17:18,138,920, plus strand): 5'-ACCCGCTCTATTCCAAACCCAAGATGCCGCTGCCTGAGTTCACCATCAAGCACTATGCAG[G>T]CAAGGTCACCTACCAGGTGAGCCCTAAGACAGTCGGCCTGGACGCTGGTGCTGCAGTGCT-3'
Protein context (NP_057323.3, residues 1696-1716): LPEFTIKHYA[Gly1706Val]KVTYQVHKFL

ClinVar aggregate classification (germline): Likely pathogenic (1 of 4 stars; one submission).

Conditions:
Autosomal recessive nonsyndromic hearing loss 3. Also called: NEUROSENSORY NONSYNDROMIC RECESSIVE DEAFNESS 3. Identifiers: Orphanet 90636, MedGen C1838263, MONDO:0010860, OMIM 600316.

gnomAD v4.1: 1 of 1,612,576 alleles (0.000062%); highest among the groups gnomAD compares: South Asian, 0.0011%; no homozygotes.

Submission:

Laboratory of Molecular, Cellular and Translation Genetics in Otolaryngology/ Lim32-hcfmusp, University of Sao Paulo School of Medicine Clinics Hospital
Classification: Likely pathogenic for Autosomal recessive nonsyndromic hearing loss 3. Last evaluated: 2026-04-30. Review status: criteria provided, single submitter. Criteria: ClinGen HL ACMG Specifications v1. Collection method: research. Allele origin: germline. Affected: yes.
Comment: NM_016239.4:c.5117G>T:p.(Gly1706Val). This variant has been classified as likely pathogenic. It is rare in population databases (PM2), and in silico prediction tools support a highly deleterious effect on protein function (PP3_strong). These findings support its role in autosomal recessive hearing loss.

Literature cited by the submitters: PubMed 26346818; PubMed 23967202; PubMed 42233699.